The following is an entry in ClinVar:

ClinVar aggregate classification (germline): Conflicting classifications of pathogenicity. Review status: criteria provided, conflicting classifications (1 of 4 stars). 4 submissions from 4 submitters: Pathogenic (3); Uncertain significance (1). Last evaluated 2025-12-09.

Conditions:
Hereditary cancer-predisposing syndrome. Also called: Hereditary Cancer Syndrome; Neoplastic Syndromes, Hereditary; Hereditary neoplastic syndrome; Tumor predisposition. Identifiers: Orphanet 140162, MedGen C0027672, MeSH D009386, MONDO:0015356.
Hereditary diffuse gastric adenocarcinoma (HDGC). Also called: DIFFUSE GASTRIC AND LOBULAR BREAST CANCER SYNDROME. Identifiers: Orphanet 26106, MedGen C1708349, MONDO:0007648, OMIM 137215.

Allele frequency attached by ClinVar (database versions not stated): gnomAD exomes 0.00001; ExAC 0.00002.
gnomAD v4.1: 3 of 1,614,150 alleles (0.00019%); highest among the groups gnomAD compares: Non-Finnish European, 0.00025%; no homozygotes.

Submissions (4):

Labcorp Genetics (formerly Invitae), Labcorp
Classification: Pathogenic. Last evaluated: 2025-12-09. Review status: criteria provided, single submitter. Criteria: Invitae Variant Classification Sherloc (09022015). Collection method: clinical testing. Allele origin: germline.
Comment: This sequence change creates a premature translational stop signal (p.Arg129*) in the CTNNA1 gene. It is expected to result in an absent or disrupted protein product. Loss-of-function variants in CTNNA1 are known to be pathogenic (PMID: 32051609, 34425242). This variant is present in population databases (rs758599826, gnomAD 0.002%). This premature translational stop signal has been observed in individual(s) with diffuse gastric cancer and/or glioma (PMID: 26182300, 26689913). ClinVar contains an entry for this variant (Variation ID: 849931). For these reasons, this variant has been classified as Pathogenic.

Ambry Genetics
Classification: Pathogenic for Hereditary cancer-predisposing syndrome. Last evaluated: 2025-06-03. Review status: criteria provided, single submitter. Criteria: Ambry Variant Classification Scheme 2023. Collection method: clinical testing. Allele origin: germline.
Comment: The p.R129* variant (also known as c.385C>T), located in coding exon 3 of the CTNNA1 gene, results from a C to T substitution at nucleotide position 385. This changes the amino acid from an arginine to a stop codon within coding exon 3. This alteration is expected to result in loss of function by premature protein truncation or nonsense-mediated mRNA decay. This variant was reported in individuals with features consistent with CTNNA1-related diffuse gastric cancer predisposition (Hansford S et al, JAMA Oncol 2015 Apr;1(1):23-32; Slavin T et al, Cancer Genet 2017 Oct;216-217:111-119). As such, this alteration is interpreted as a disease-causing mutation.

Blueprint Genetics
Classification: Uncertain significance. Last evaluated: 2023-11-29. Review status: criteria provided, single submitter. Criteria: ACMG Guidelines, 2015. Collection method: clinical testing. Allele origin: germline.

Myriad Genetics, Inc.
Classification: Pathogenic for Hereditary diffuse gastric adenocarcinoma. Last evaluated: 2023-07-05. Review status: criteria provided, single submitter. Criteria: Myriad Autosomal Dominant, Autosomal Recessive and X-Linked Classification Criteria (2023). Collection method: clinical testing. Allele origin: unknown.
Comment: This variant is considered pathogenic. This variant creates a termination codon and is predicted to result in premature protein truncation.

Literature cited by the submitters: PubMed 32051609 (cited by Labcorp Genetics (formerly Invitae), Labcorp); PubMed 34425242 (cited by Labcorp Genetics (formerly Invitae), Labcorp); PubMed 26182300 (cited by Labcorp Genetics (formerly Invitae), Labcorp); PubMed 26689913 (cited by Labcorp Genetics (formerly Invitae), Labcorp).

NM_001903.5(CTNNA1):c.385C>T (p.Arg129Ter)

Gene: CTNNA1 (catenin alpha 1; plus strand). Cytogenetic location: 5q31.2.
Variant type: single nucleotide variant.
Coding change: c.385C>T on transcript NM_001903.5 (MANE Select); coding-DNA position 385, C replaced by T.
Protein change: p.Arg129Ter; replaces arginine 129 with a stop codon.
Molecular consequence: nonsense.
Genome position (GRCh38, 1-based): chr5:138,810,121, C>T. VCF-style: chr5-138810121-C-T. GRCh37 (hg19) VCF-style: chr5-138145810-C-T.
Other names: c.385C>T, p.Arg129Ter (NM_001290307.3, NM_001323982.2, NM_001323983.1 and 3 more transcripts); c.76C>T, p.Arg26Ter (NM_001290309.3); c.16C>T, p.Arg6Ter (NM_001290310.3); c.385C>T (NM_001903.2); short protein forms R129*, R26*, R6*.
Identifiers: ClinVar variation 849931 (VCV000849931.13), dbSNP rs758599826, ClinGen allele CA3431433.